The following is an entry in ClinVar:

ClinVar aggregate classification (germline): Likely pathogenic. Review status: criteria provided, single submitter (1 of 4 stars). 2 submissions from 2 submitters: Likely pathogenic (1). 1 of the submissions does not count toward it. Last evaluated 2022-06-10.

Conditions:
Dystonia 33 (DYT33). Identifiers: MedGen C5562054, MONDO:0030513, OMIM 619687.

Submissions (2):

SIB Swiss Institute of Bioinformatics
Classification: Likely pathogenic for Dystonia 33. Last evaluated: 2022-06-10. Review status: criteria provided, single submitter. Criteria: ACMG Guidelines, 2015. Collection method: curation. Allele origin: unknown.
Comment: This variant is interpreted as likely pathogenic for Dystonia 33, autosomal dominant. The following ACMG Tag(s) were applied: Absent from controls (or at extremely low frequency if recessive) in Exome Sequencing Project, 1000 Genomes Project, or Exome Aggregation Consortium (PM2); Assumed de novo, but no confirmation of paternity and maternity (PM6); Same amino acid change as an established pathogenic variant (at nucleotide level) (PS1).

OMIM
Classification: Pathogenic for DYSTONIA 33. Last evaluated: 2022-02-11. Review status: no assertion criteria provided. Collection method: literature only. Allele origin: germline. Not counted in ClinVar's aggregate classification.

Literature cited by the submitters: PubMed 35146068 (cited by SIB Swiss Institute of Bioinformatics); Magrinelli, F., Moualek, D., Tazir, M., Ali Pacha, L., Verghese, A., Bhatia, K. P., Maroofian, R., Houlden, H. Heterozygous EIF2AK2 variant causes adolescence-onset generalized dystonia partially responsive to DBS. Mov. Disord. Clin. Pract. 9: 268-271, 2021. (cited by OMIM).

NM_001135651.3(EIF2AK2):c.388G>C (p.Gly130Arg)

Gene: EIF2AK2 (eukaryotic translation initiation factor 2 alpha kinase 2; minus strand). Cytogenetic location: 2p22.2.
Variant type: single nucleotide variant.
Coding change: c.388G>C on transcript NM_001135651.3 (MANE Select); coding-DNA position 388, G replaced by C.
Protein change: p.Gly130Arg; replaces glycine 130 with arginine.
Molecular consequence: missense variant.
Genome position (GRCh38, 1-based): chr2:37,141,554, C>G on the plus strand (G>C on the coding strand, the complement: EIF2AK2 is on the minus strand). VCF-style: chr2-37141554-C-G. GRCh37 (hg19) VCF-style: chr2-37368697-C-G.
Other names: EIF2AK2, GLY130ARG, 388G-C; c.388G>C, p.Gly130Arg (NM_001135652.3, NM_002759.4); short protein forms G130R.
Identifiers: ClinVar variation 1332910 (VCV001332910.4), dbSNP rs2148705154, ClinGen allele CA346319544.